The following is an entry in ClinVar:

NM_022725.4(FANCF):c.385C>G (p.Leu129Val)

Gene: FANCF (FA complementation group F; minus strand). Cytogenetic location: 11p14.3.
Variant type: single nucleotide variant.
Coding change: c.385C>G on transcript NM_022725.4 (MANE Select); coding-DNA position 385, C replaced by G.
Protein change: p.Leu129Val; replaces leucine 129 with valine.
Molecular consequence: missense variant.
Genome position (GRCh38, 1-based): chr11:22,625,426, G>C on the plus strand (C>G on the coding strand, the complement: FANCF is on the minus strand). VCF-style: chr11-22625426-G-C. GRCh37 (hg19) VCF-style: chr11-22646972-G-C.
Other names: short protein forms L129V.
Identifiers: ClinVar variation 134348 (VCV000134348.25), dbSNP rs61753271, ClinGen allele CA159566.
Genomic context (GRCh38, chr11:22,625,426, plus strand): 5'-TGAAGCGCAGCATGTGCACCGCAGACCGCCGGCGGGCAAGGCGGGCCAGGCTCTCTTGGA[G>C]TGTCTCCTCATCGGCGTCCCGGACGCCCGGGCCGGGAAAGAGTTGCTGCACCAGGTGGTA-3'
Protein context (NP_073562.1, residues 119-139): PGVRDADEET[Leu129Val]QESLARLARR

ClinVar aggregate classification (germline): Uncertain significance. Review status: criteria provided, multiple submitters, no conflicts (2 of 4 stars). 10 submissions from 10 submitters: Uncertain significance (9). 1 of the submissions does not count toward it. Last evaluated 2025-01-06.

Conditions:
Fanconi anemia (FA). Also called: Fanconi's anemia. Identifiers: Orphanet 84, MedGen C0015625, MeSH D005199, MONDO:0019391.
Fanconi anemia complementation group F. Also called: FANCF-Related Fanconi Anemia. Identifiers: Orphanet 84, MedGen C3469526, MONDO:0011325, OMIM 603467.

Allele frequency attached by ClinVar (database versions not stated): ESP Exome Variant Server 0.00015; 1000 Genomes Project 30x 0.00016; 1000 Genomes Project 0.00020; TOPMed 0.00039; gnomAD 0.00048 and 0.00051; gnomAD exomes 0.00056 and 0.00057; ExAC 0.00070.
gnomAD v4.1: 889 of 1,614,138 alleles (0.055%); highest among the groups gnomAD compares: Non-Finnish European, 0.065%; no homozygotes.

Submissions (10):

Labcorp Genetics (formerly Invitae), Labcorp
Classification: Uncertain significance for Fanconi anemia. Last evaluated: 2025-01-06. Review status: criteria provided, single submitter. Criteria: Invitae Variant Classification Sherloc (09022015). Collection method: clinical testing. Allele origin: germline.
Comment: This sequence change replaces leucine, which is neutral and non-polar, with valine, which is neutral and non-polar, at codon 129 of the FANCF protein (p.Leu129Val). This variant is present in population databases (rs61753271, gnomAD 0.1%), and has an allele count higher than expected for a pathogenic variant. This variant has not been reported in the literature in individuals affected with FANCF-related conditions. ClinVar contains an entry for this variant (Variation ID: 134348). Invitae Evidence Modeling of protein sequence and biophysical properties (such as structural, functional, and spatial information, amino acid conservation, physicochemical variation, residue mobility, and thermodynamic stability) has been performed for this missense variant. However, the output from this modeling did not meet the statistical confidence thresholds required to predict the impact of this variant on FANCF protein function. In summary, the available evidence is currently insufficient to determine the role of this variant in disease. Therefore, it has been classified as a Variant of Uncertain Significance.

Blueprint Genetics
Classification: Uncertain significance. Last evaluated: 2024-11-21. Review status: criteria provided, single submitter. Criteria: ACMG Guidelines, 2015. Collection method: clinical testing. Allele origin: germline.

Fulgent Genetics
Classification: Uncertain significance for Fanconi anemia complementation group F. Last evaluated: 2024-05-30. Review status: criteria provided, single submitter. Criteria: ACMG Guidelines, 2015. Collection method: clinical testing. Allele origin: germline.

Institute for Clinical Genetics, University Hospital TU Dresden, University Hospital TU Dresden
Classification: Uncertain significance. Last evaluated: 2021-11-03. Review status: criteria provided, single submitter. Criteria: ACMG Guidelines, 2015. Collection method: clinical testing. Allele origin: germline.

GeneDx
Classification: Uncertain significance. Last evaluated: 2021-06-29. Review status: criteria provided, single submitter. Criteria: GeneDx Variant Classification Process June 2021. Collection method: clinical testing. Allele origin: germline. Affected: yes.
Comment: In silico analysis supports that this missense variant does not alter protein structure/function; Identified in healthy individuals undergoing whole genome sequencing (Bodian 2014); This variant is associated with the following publications: (PMID: 24728327, 27535533)

Sema4
Classification: Uncertain significance for Fanconi anemia. Last evaluated: 2021-06-27. Review status: criteria provided, single submitter. Criteria: Sema4 Curation Guidelines. Collection method: curation. Allele origin: germline.
Comment: To the best of our knowledge, the FANCF c.385C>G (p.L129V) variant has not been reported in individuals with FANCF-related disease. It was observed in 30/25112 chromosomes of the Finnish subpopulation, with no homozygotes, in the large and broad cohorts of the Genome Aggregation Database. The variant has been reported in ClinVar (Variation ID 134348). In silico tools suggest the impact of the variant on protein function is benign, though these predictions have not been confirmed by functional studies. The evidence is insufficient to meet ACMG/AMP criteria for classifying the variant as benign or pathogenic. Thus, the clinical significance of this variant is currently uncertain.

Illumina Laboratory Services, Illumina
Classification: Uncertain significance for Fanconi anemia complementation group F. Last evaluated: 2018-01-13. Review status: criteria provided, single submitter. Criteria: ICSL Variant Classification Criteria 13 December 2019. Collection method: clinical testing. Allele origin: germline.

Genetic Services Laboratory, University of Chicago
Classification: Uncertain significance. Last evaluated: 2017-10-18. Review status: criteria provided, single submitter. Criteria: ACMG Guidelines, 2015. Collection method: clinical testing. Allele origin: germline. Affected: no.

Center for Pediatric Genomic Medicine, Children's Mercy Hospital and Clinics
Classification: Uncertain significance. Last evaluated: 2017-01-25. Review status: criteria provided, single submitter. Criteria: ACMG Guidelines, 2015. Collection method: clinical testing. Allele origin: germline.
ClinVar note: Converted during submission from Uncertain Significance to Uncertain significance.

ITMI
No classification provided. Condition: AllHighlyPenetrant. Last evaluated: 2013-09-19. Review status: no classification provided. Collection method: reference population. Allele origin: germline. Not counted in ClinVar's aggregate classification.
Comment: Please see associated publication for description of ethnicities

Literature cited by the submitters: PubMed 24728327 (cited by ITMI).